The following is an entry in ClinVar:

ClinVar aggregate classification (germline): Likely benign. Review status: criteria provided, multiple submitters, no conflicts (2 of 4 stars). 3 submissions from 3 submitters: Likely benign (3). Last evaluated 2025-09-14.

Allele frequency attached by ClinVar (database versions not stated): gnomAD 0.00001; gnomAD exomes 0.00001; TOPMed 0.00001.
gnomAD v4.1: 13 of 1,209,604 alleles (0.0011%); highest among the groups gnomAD compares: Non-Finnish European, 0.0013%; no homozygotes.

Submissions (3):

Labcorp Genetics (formerly Invitae), Labcorp
Classification: Likely benign. Last evaluated: 2025-09-14. Review status: criteria provided, single submitter. Criteria: Invitae Variant Classification Sherloc (09022015). Collection method: clinical testing. Allele origin: germline.

Women's Health and Genetics/Laboratory Corporation of America, LabCorp
Classification: Likely benign. Last evaluated: 2024-09-11. Review status: criteria provided, single submitter. Criteria: LabCorp Variant Classification Summary - May 2015. Collection method: clinical testing. Allele origin: germline.
Comment: Variant summary: NEXMIF c.2331T>C results in a synonymous change. Consensus agreement among computation tools predict no significant impact on normal splicing. However, these predictions have yet to be confirmed by functional studies. The variant allele was found at a frequency of 1.1e-05 in 1209604 control chromosomes (gnomAD v4). This frequency is not significantly higher than estimated for a pathogenic variant in NEXMIF causing Intellectual Developmental Disorder, X-Linked 98, allowing no conclusion about variant significance. To our knowledge, no occurrence of c.2331T>C in individuals affected with Intellectual Developmental Disorder, X-Linked 98 and no experimental evidence demonstrating its impact on protein function have been reported. ClinVar contains an entry for this variant (Variation ID: 759378). Based on the evidence outlined above, the variant was classified as likely benign.

Ambry Genetics
Classification: Likely benign. Last evaluated: 2020-03-24. Review status: criteria provided, single submitter. Criteria: Ambry Variant Classification Scheme 2023. Collection method: clinical testing. Allele origin: germline.

NM_001008537.3(NEXMIF):c.2331T>C (p.His777=)

Gene: NEXMIF (neurite extension and migration factor; minus strand). Cytogenetic location: Xq13.3.
Variant type: single nucleotide variant.
Coding change: c.2331T>C on transcript NM_001008537.3 (MANE Select); coding-DNA position 2331, T replaced by C.
Protein change: p.His777=; no amino-acid change (histidine 777 retained).
Molecular consequence: synonymous variant.
Genome position (GRCh38, 1-based): chrX:74,742,226, A>G on the plus strand (T>C on the coding strand, the complement: NEXMIF is on the minus strand). VCF-style: chrX-74742226-A-G. GRCh37 (hg19) VCF-style: chrX-73962061-A-G.
Identifiers: ClinVar variation 759378 (VCV000759378.11), dbSNP rs762407174, ClinGen allele CA517466935.